The following is an entry in ClinVar:

NM_000142.5(FGFR3):c.13G>C (p.Ala5Pro)

Gene: FGFR3 (fibroblast growth factor receptor 3; plus strand). Cytogenetic location: 4p16.3.
Variant type: single nucleotide variant.
Coding change: c.13G>C on transcript NM_000142.5 (MANE Select); coding-DNA position 13, G replaced by C.
Protein change: p.Ala5Pro; replaces alanine 5 with proline.
Molecular consequence: missense variant. On other transcripts: non-coding transcript variant (1).
Genome position (GRCh38, 1-based): chr4:1,793,947, G>C. VCF-style: chr4-1793947-G-C. GRCh37 (hg19) VCF-style: chr4-1795674-G-C.
Other names: c.13G>C, p.Ala5Pro (NM_001163213.2, NM_001354809.2, NM_001354810.2 and 1 more transcripts); short protein forms A5P.
Identifiers: ClinVar variation 2083082 (VCV002083082.4), dbSNP rs771133929, ClinGen allele CA2809673.

ClinVar aggregate classification (germline): Uncertain significance (1 of 4 stars; one submission).

Allele frequency attached by ClinVar (database versions not stated): gnomAD exomes below 0.00001; gnomAD 0.00001; 1000 Genomes Project 30x 0.00016.
gnomAD v4.1: 5 of 1,338,852 alleles (0.00037%); highest among the groups gnomAD compares: Non-Finnish European, 0.00048%; no homozygotes.

Submission:

Labcorp Genetics (formerly Invitae), Labcorp
Classification: Uncertain significance. Last evaluated: 2022-06-09. Review status: criteria provided, single submitter. Criteria: Invitae Variant Classification Sherloc (09022015). Collection method: clinical testing. Allele origin: germline.
Comment: This sequence change replaces alanine, which is neutral and non-polar, with proline, which is neutral and non-polar, at codon 5 of the FGFR3 protein (p.Ala5Pro). In summary, the available evidence is currently insufficient to determine the role of this variant in disease. Therefore, it has been classified as a Variant of Uncertain Significance. Algorithms developed to predict the effect of missense changes on protein structure and function are either unavailable or do not agree on the potential impact of this missense change (SIFT: "Tolerated"; PolyPhen-2: "Not Available"; Align-GVGD: "Class C0"). This variant has not been reported in the literature in individuals affected with FGFR3-related conditions. This variant is not present in population databases (gnomAD no frequency).